The following is an entry in ClinVar:

NM_201631.4(TGM5):c.850G>A (p.Val284Ile)

Gene: TGM5 (transglutaminase 5; minus strand). Cytogenetic location: 15q15.2.
Variant type: single nucleotide variant.
Coding change: c.850G>A on transcript NM_201631.4 (MANE Select); coding-DNA position 850, G replaced by A.
Protein change: p.Val284Ile; replaces valine 284 with isoleucine.
Molecular consequence: missense variant.
Genome position (GRCh38, 1-based): chr15:43,252,771, C>T on the plus strand (G>A on the coding strand, the complement: TGM5 is on the minus strand). VCF-style: chr15-43252771-C-T. GRCh37 (hg19) VCF-style: chr15-43544969-C-T.
Other names: c.604G>A, p.Val202Ile (NM_004245.4); short protein forms V202I, V284I.
Identifiers: ClinVar variation 886452 (VCV000886452.9), dbSNP rs144575810, ClinGen allele CA7521189.

ClinVar aggregate classification (germline): Conflicting classifications of pathogenicity. Review status: criteria provided, conflicting classifications (1 of 4 stars). 5 submissions from 5 submitters: Uncertain significance (3); Likely benign (1). 1 of the submissions does not count toward it. Last evaluated 2026-09-01.

Conditions:
TGM5-related disorder. Also called: TGM5-related condition.
Acral peeling skin syndrome. Also called: Peeling skin syndrome 2. Identifiers: Orphanet 263534, MedGen C1853354, MONDO:0012345, OMIM 609796.

Allele frequency attached by ClinVar (database versions not stated): 1000 Genomes Project 30x 0.00016; 1000 Genomes Project 0.00020; gnomAD 0.00069 and 0.00074; TOPMed 0.00078; ESP Exome Variant Server 0.00085; ExAC 0.00097; gnomAD exomes 0.00105.
gnomAD v4.1: 1,808 of 1,613,908 alleles (0.11%); highest among the groups gnomAD compares: Non-Finnish European, 0.14%; 1 homozygote.

Submissions (5):

CeGaT Center for Human Genetics Tuebingen
Classification: Likely benign. Last evaluated: 2026-09-01. Review status: criteria provided, single submitter. Criteria: CeGaT Center For Human Genetics Tuebingen Variant Classification Criteria Version 2. Collection method: clinical testing. Allele origin: germline. Affected: yes. Observed: 1 variant allele.
Comment: TGM5: BS1

GeneDx
Classification: Uncertain significance. Last evaluated: 2022-07-19. Review status: criteria provided, single submitter. Criteria: GeneDx Variant Classification Process June 2021. Collection method: clinical testing. Allele origin: germline. Affected: yes.
Comment: In silico analysis supports that this missense variant does not alter protein structure/function; Has not been previously published as pathogenic or benign to our knowledge

Illumina Laboratory Services, Illumina
Classification: Uncertain significance for Acral peeling skin syndrome. Last evaluated: 2018-01-12. Review status: criteria provided, single submitter. Criteria: ICSL Variant Classification Criteria 13 December 2019. Collection method: clinical testing. Allele origin: germline.

Breakthrough Genomics
Classification: Uncertain significance. Review status: criteria provided, single submitter. Criteria: ACMG Guidelines, 2015. Collection method: not provided. Allele origin: germline. Inheritance: Autosomal recessive inheritance. Affected: yes.

PreventionGenetics, part of Exact Sciences
Classification: Likely benign for TGM5-related condition. Last evaluated: 2023-12-15. Review status: no assertion criteria provided. Collection method: clinical testing. Allele origin: germline. Not counted in ClinVar's aggregate classification.
Comment: This variant is classified as likely benign based on ACMG/AMP sequence variant interpretation guidelines (Richards et al. 2015 PMID: 25741868, with internal and published modifications).